The following is an entry in ClinVar:

ClinVar aggregate classification (germline): Likely pathogenic (1 of 4 stars; one submission).

Conditions:
Short stature-optic atrophy-Pelger-Huët anomaly syndrome. Also called: Short stature-optic atrophy-Pelger-HuC+t anomaly syndrome; Short stature, optic nerve atrophy, and Pelger-Huet anomaly. Identifiers: Orphanet 391677, MedGen C3541319, MONDO:0013889, OMIM 614800.

gnomAD v4.1: 1 of 151,964 alleles (0.00066%); highest among the groups gnomAD compares: Non-Finnish European, 0.0015%; no homozygotes.

Submission:

Undiagnosed Diseases Network, NIH
Classification: Likely pathogenic for Short stature-optic atrophy-Pelger-Huët anomaly syndrome. Last evaluated: 2026-06-05. Review status: criteria provided, single submitter. Criteria: ACMG Guidelines, 2015. Collection method: clinical testing, in vitro. Allele origin: paternal, not applicable. Inheritance: Autosomal recessive inheritance. Affected: yes. Observed: 1 variant allele, 1 compound heterozygote. Functional consequence: decreased gene product level. Study: Undiagnosed Diseases Network, UDN.
Comment: This variant is absent from the gnomAD v2.1.1 population database. RNAseq analysis demonstrated that this variant causes abnormal splicing, resulting in out-of-frame intron retention predicted to introduce a premature termination codon.

NM_015909.4(NBAS):c.746+686A>G

Gene: NBAS (NBAS subunit of NRZ tethering complex; minus strand). Cytogenetic location: 2p24.3.
Variant type: single nucleotide variant.
Coding change: c.746+686A>G on transcript NM_015909.4 (MANE Select); 686 bases into the intron after coding-DNA position 746, A replaced by G.
Molecular consequence: intron variant.
Genome position (GRCh38, 1-based): chr2:15,533,857, T>C on the plus strand (A>G on the coding strand, the complement: NBAS is on the minus strand). VCF-style: chr2-15533857-T-C. GRCh37 (hg19) VCF-style: chr2-15673981-T-C.
Other names: p.?.
Identifiers: ClinVar variation 4974772 (VCV004974772.1).